The following is an entry in ClinVar:

NM_000059.4(BRCA2):c.8704G>A (p.Ala2902Thr)

Gene: BRCA2 (BRCA2 DNA repair associated; plus strand). Cytogenetic location: 13q13.1.
Variant type: single nucleotide variant.
Coding change: c.8704G>A on transcript NM_000059.4 (MANE Select); coding-DNA position 8704, G replaced by A.
Protein change: p.Ala2902Thr; replaces alanine 2902 with threonine.
Molecular consequence: missense variant.
Genome position (GRCh38, 1-based): chr13:32,376,741, G>A. VCF-style: chr13-32376741-G-A. GRCh37 (hg19) VCF-style: chr13-32950878-G-A.
Other names: short protein forms A2902T.
Identifiers: ClinVar variation 462492 (VCV000462492.23), dbSNP rs1555288163, ClinGen allele CA387754878.
Genomic context (GRCh38, chr13:32,376,741, plus strand): 5'-AAACCATATTTACCATCACGTGCACTAACAAGACAGCAAGTTCGTGCTTTGCAAGATGGT[G>A]CAGAGCTTTATGAAGCAGTGAAGAATGCAGCAGACCCAGCTTACCTTGAGGTGAGAGAGT-3'
Protein context (NP_000050.3, residues 2892-2912): RQQVRALQDG[Ala2902Thr]ELYEAVKNAA

ClinVar aggregate classification (germline): Uncertain significance. Review status: criteria provided, multiple submitters, no conflicts (2 of 4 stars). 6 submissions from 6 submitters: Uncertain significance (5). 1 of the submissions does not count toward it. Last evaluated 2025-02-28.

Conditions:
Hereditary cancer-predisposing syndrome. Also called: Hereditary neoplastic syndrome; Neoplastic Syndromes, Hereditary; Tumor predisposition; Hereditary Cancer Syndrome. Identifiers: Orphanet 140162, MedGen C0027672, MeSH D009386, MONDO:0015356.
Hereditary breast ovarian cancer syndrome. Also called: Hereditary breast and/or ovarian cancer syndrome; BRCA1- and BRCA2-Associated Hereditary Breast and Ovarian Cancer; Hereditary breast and ovarian cancer; Breast and ovarian cancer; Hereditary breast and ovarian cancer syndrome; Hereditary breast and ovarian cancer syndrome (HBOC). Identifiers: Orphanet 145, MedGen C0677776, MeSH D061325, MONDO:0003582. Disease mechanism: loss of function.
Breast-ovarian cancer, familial, susceptibility to, 2 (BROVCA2). Also called: BRCA2 Hereditary Breast and Ovarian Cancer. Identifiers: Orphanet 145, MedGen C2675520, MONDO:0012933, OMIM 612555. Disease mechanism: loss of function.

Allele frequency attached by ClinVar (database versions not stated): gnomAD exomes 0.00001.
gnomAD v4.1: 5 of 1,614,148 alleles (0.00031%); highest among the groups gnomAD compares: Non-Finnish European, 0.00042%; no homozygotes.

Submissions (6):

Molecular Pathology, Peter Maccallum Cancer Centre
Classification: Uncertain significance for Breast-ovarian cancer, familial, susceptibility to, 2. Last evaluated: 2025-02-28. Review status: criteria provided, single submitter. Criteria: ACMG Guidelines, 2015. Collection method: clinical testing. Allele origin: germline. Inheritance: Autosomal dominant inheritance.

Ambry Genetics
Classification: Uncertain significance for Hereditary cancer-predisposing syndrome. Last evaluated: 2024-11-22. Review status: criteria provided, single submitter. Criteria: Ambry Variant Classification Scheme 2023. Collection method: clinical testing. Allele origin: germline.
Comment: The p.A2902T variant (also known as c.8704G>A), located in coding exon 20 of the BRCA2 gene, results from a G to A substitution at nucleotide position 8704. The alanine at codon 2902 is replaced by threonine, an amino acid with similar properties. In one study, this alteration was identified in 1/1045 patients with breast and/or ovarian cancer who fulfilled established BRCA1/2 genetic testing criteria (Zuntini R et al. Front Genet, 2018 Sep;9:378). This amino acid position is well conserved in available vertebrate species. In addition, the in silico prediction for this alteration is inconclusive. Based on the available evidence, the clinical significance of this variant remains unclear.

Labcorp Genetics (formerly Invitae), Labcorp
Classification: Uncertain significance for Hereditary breast ovarian cancer syndrome. Last evaluated: 2024-05-15. Review status: criteria provided, single submitter. Criteria: Invitae Variant Classification Sherloc (09022015). Collection method: clinical testing. Allele origin: germline.
Comment: This sequence change replaces alanine, which is neutral and non-polar, with threonine, which is neutral and polar, at codon 2902 of the BRCA2 protein (p.Ala2902Thr). This variant is not present in population databases (gnomAD no frequency). This missense change has been observed in individual(s) with breast or ovarian cancer (PMID: 30254663). ClinVar contains an entry for this variant (Variation ID: 462492). Advanced modeling of protein sequence and biophysical properties (such as structural, functional, and spatial information, amino acid conservation, physicochemical variation, residue mobility, and thermodynamic stability) performed at Invitae indicates that this missense variant is not expected to disrupt BRCA2 protein function with a negative predictive value of 95%. In summary, the available evidence is currently insufficient to determine the role of this variant in disease. Therefore, it has been classified as a Variant of Uncertain Significance.

Color Diagnostics, LLC DBA Color Health
Classification: Uncertain significance for Hereditary cancer-predisposing syndrome. Last evaluated: 2023-04-06. Review status: criteria provided, single submitter. Criteria: ACMG Guidelines, 2015. Collection method: clinical testing. Allele origin: germline.
Comment: This missense variant replaces alanine with threonine at codon 2902 of the BRCA2 protein. Computational prediction suggests that this variant may not impact protein structure and function (internally defined REVEL score threshold <= 0.5, PMID: 27666373). To our knowledge, functional studies have not been reported for this variant. This variant has been reported in two families suspected of being affected with hereditary breast and ovarian cancer (PMID: 30254663; DOI 10.1515/tjb-2019-0424). This variant has not been identified in the general population by the Genome Aggregation Database (gnomAD). The available evidence is insufficient to determine the role of this variant in disease conclusively. Therefore, this variant is classified as a Variant of Uncertain Significance.

Women's Health and Genetics/Laboratory Corporation of America, LabCorp
Classification: Uncertain significance. Last evaluated: 2017-12-04. Review status: criteria provided, single submitter. Criteria: LabCorp Variant Classification Summary - May 2015. Collection method: clinical testing. Allele origin: germline.
Comment: Variant summary: The BRCA2 c.8704G>A (p.Ala2902Thr) variant involves the alteration of a conserved nucleotide. 5/5 in silico tools predict a damaging outcome for this variant. This variant is absent in 246134 control chromosomes. The variant of interest has not, to our knowledge, been reported in affected individuals via publications nor evaluated for functional impact by in vivo/vitro studies. The variant has been reported in one database with a classification of VUS. Because of the absence of clinical information and the lack of functional studies, the variant is classified as a variant of uncertain significance (VUS) until additional information becomes available.

Department of Medical and Surgical Sciences, University of Bologna
Classification: Uncertain significance for Breast-ovarian cancer, familial, susceptibility to, 2. Last evaluated: 2023-09-01. Review status: no assertion criteria provided. Collection method: clinical testing. Allele origin: germline. Affected: yes. Not counted in ClinVar's aggregate classification.
Comment: PM2(Supporting)+BP4(Supporting) according to ACMG/AMP classification guidelines specified for BRCA1 & BRCA2 (Classification Criteria V1.0.0 2023-09-08) (PMID: 38160042)

Literature cited by the submitters: PubMed 30254663 (cited by 3 submitters).